The following is an entry in ClinVar:

NM_005120.3(MED12):c.6288GCA[11] (p.Gln2115_His2116insGlnGlnGlnGln)

Gene: MED12 (mediator complex subunit 12; plus strand). Cytogenetic location: Xq13.1.
Variant type: Microsatellite.
Coding change: c.6288GCA[11] on transcript NM_005120.3 (MANE Select); 11 copies in a row of the 3-base unit GCA starting at c.6288; the reference has seven copies in a row; four copies, 12 bases duplicated.
Protein change: p.Gln2115_His2116insGlnGlnGlnGln.
Molecular consequence: inframe insertion.
Genome position (GRCh38, 1-based): chrX:71,141,259-71,141,270, GCAGCAGCAGCA duplicated; duplicating any 12 consecutive bases within chrX:71,141,248-71,141,270 gives the same sequence; the position shown is the placement nearest the transcript's 3' end. VCF-style (leftmost placement, unchanged base first): chrX-71141247-A-ACAGCAGCAGCAG. GRCh37 (hg19) VCF-style: chrX-70361097-A-ACAGCAGCAGCAG.
Identifiers: ClinVar variation 2984619 (VCV002984619.3), dbSNP rs766775649, ClinGen allele CA2694027708.

ClinVar aggregate classification (germline): Uncertain significance (1 of 4 stars; one submission).

Conditions:
FG syndrome (FGS). Identifiers: MedGen C0220769, MONDO:0002010.

Submission:

Labcorp Genetics (formerly Invitae), Labcorp
Classification: Uncertain significance for FG syndrome. Last evaluated: 2023-08-08. Review status: criteria provided, single submitter. Criteria: Invitae Variant Classification Sherloc (09022015). Collection method: clinical testing. Allele origin: germline.
Comment: In summary, the available evidence is currently insufficient to determine the role of this variant in disease. Therefore, it has been classified as a Variant of Uncertain Significance. This variant has not been reported in the literature in individuals affected with MED12-related conditions. This variant is not present in population databases (gnomAD no frequency). This variant, c.6297_6308dup, results in the insertion of 4 amino acid(s) of the MED12 protein (p.Gln2112_Gln2115dup), but otherwise preserves the integrity of the reading frame.